The following is an entry in ClinVar:

ClinVar aggregate classification (germline): Likely benign (1 of 4 stars; one submission).

gnomAD v4.1: 138 of 1,613,816 alleles (0.0086%); highest among the groups gnomAD compares: Non-Finnish European, 0.011%; no homozygotes.

Submission:

CeGaT Center for Human Genetics Tuebingen
Classification: Likely benign. Last evaluated: 2026-01-01. Review status: criteria provided, single submitter. Criteria: CeGaT Center For Human Genetics Tuebingen Variant Classification Criteria Version 2. Collection method: clinical testing. Allele origin: germline. Affected: yes. Observed: 1 variant allele.
Comment: ACAN: BP4, BP7

NM_001369268.1(ACAN):c.6006A>G (p.Pro2002=)

Gene: ACAN (aggrecan; plus strand). Cytogenetic location: 15q26.1.
Variant type: single nucleotide variant.
Coding change: c.6006A>G on transcript NM_001369268.1 (MANE Select); coding-DNA position 6006, A replaced by G.
Protein change: p.Pro2002=; no amino-acid change (proline 2002 retained).
Molecular consequence: synonymous variant.
Genome position (GRCh38, 1-based): chr15:88,858,591, A>G. VCF-style: chr15-88858591-A-G. GRCh37 (hg19) VCF-style: chr15-89401822-A-G.
Other names: c.6006A>G, p.Pro2002= (NM_001135.4, NM_001411096.1, NM_001411097.1 and 1 more transcripts).
Identifiers: ClinVar variation 4821506 (VCV004821506.4).